The following is an entry in ClinVar:

ClinVar aggregate classification (germline): Uncertain significance (1 of 4 stars; one submission).

Allele frequency attached by ClinVar (database versions not stated): gnomAD 0.00002; gnomAD exomes 0.00003; ExAC 0.00001; TOPMed 0.00002.
gnomAD v4.1: 48 of 1,613,570 alleles (0.003%); highest among the groups gnomAD compares: Admixed American, 0.0083%; no homozygotes.

Submission:

Labcorp Genetics (formerly Invitae), Labcorp
Classification: Uncertain significance. Last evaluated: 2025-07-29. Review status: criteria provided, single submitter. Criteria: Invitae Variant Classification Sherloc (09022015). Collection method: clinical testing. Allele origin: germline.
Comment: This sequence change replaces glycine, which is neutral and non-polar, with serine, which is neutral and polar, at codon 819 of the VAV1 protein (p.Gly819Ser). This variant is present in population databases (rs779669403, gnomAD 0.01%). This variant has not been reported in the literature in individuals affected with VAV1-related conditions. ClinVar contains an entry for this variant (Variation ID: 2887744). An algorithm developed to predict the effect of missense changes on protein structure and function (PolyPhen-2) suggests that this variant is likely to be disruptive. In summary, the available evidence is currently insufficient to determine the role of this variant in disease. Therefore, it has been classified as a Variant of Uncertain Significance.

NM_005428.4(VAV1):c.2455G>A (p.Gly819Ser)

Gene: VAV1 (vav guanine nucleotide exchange factor 1; plus strand). Cytogenetic location: 19p13.3.
Variant type: single nucleotide variant.
Coding change: c.2455G>A on transcript NM_005428.4 (MANE Select); coding-DNA position 2455, G replaced by A.
Protein change: p.Gly819Ser; replaces glycine 819 with serine.
Molecular consequence: missense variant.
Genome position (GRCh38, 1-based): chr19:6,854,069, G>A. VCF-style: chr19-6854069-G-A. GRCh37 (hg19) VCF-style: chr19-6854080-G-A.
Other names: c.2389G>A, p.Gly797Ser (NM_001258206.2); c.2359G>A, p.Gly787Ser (NM_001258207.2); short protein forms G787S, G797S, G819S.
Identifiers: ClinVar variation 2887744 (VCV002887744.3), dbSNP rs779669403, ClinGen allele CA9132961.